The following is an entry in ClinVar:

ClinVar aggregate classification (germline): Uncertain significance (1 of 4 stars; one submission).

Conditions:
Cardiovascular phenotype. Identifiers: MedGen CN230736.
Hereditary cancer-predisposing syndrome. Also called: Hereditary Cancer Syndrome; Neoplastic Syndromes, Hereditary; Tumor predisposition; Hereditary neoplastic syndrome. Identifiers: Orphanet 140162, MedGen C0027672, MeSH D009386, MONDO:0015356.

Submission:

Ambry Genetics
Classification: Uncertain significance for Cardiovascular phenotype; Hereditary cancer-predisposing syndrome. Last evaluated: 2024-07-24. Review status: criteria provided, single submitter. Criteria: Ambry Variant Classification Scheme 2023. Collection method: clinical testing. Allele origin: germline.
Comment: The p.A1708V variant (also known as c.5123C>T), located in coding exon 36 of the NF1 gene, results from a C to T substitution at nucleotide position 5123. The alanine at codon 1708 is replaced by valine, an amino acid with similar properties. This amino acid position is conserved. In addition, the in silico prediction for this alteration is inconclusive. Since supporting evidence is limited at this time, the clinical significance of this alteration remains unclear.

NM_001042492.3(NF1):c.5186C>T (p.Ala1729Val)

Gene: NF1 (neurofibromin 1; plus strand). Cytogenetic location: 17q11.2.
Variant type: single nucleotide variant.
Coding change: c.5186C>T on transcript NM_001042492.3 (MANE Select); coding-DNA position 5186, C replaced by T.
Protein change: p.Ala1729Val; replaces alanine 1729 with valine.
Molecular consequence: missense variant.
Genome position (GRCh38, 1-based): chr17:31,326,170, C>T. VCF-style: chr17-31326170-C-T. GRCh37 (hg19) VCF-style: chr17-29653188-C-T.
Other names: c.5123C>T, p.Ala1708Val (NM_000267.4); short protein forms A1729V, A1708V.
Identifiers: ClinVar variation 1745496 (VCV001745496.3), dbSNP rs2151538837, ClinGen allele CA399007998.